The following is an entry in ClinVar:

ClinVar aggregate classification (germline): Likely benign. Review status: criteria provided, multiple submitters, no conflicts (2 of 4 stars). 2 submissions from 2 submitters: Likely benign (2). Last evaluated 2025-07-21.

Conditions:
Cardiovascular phenotype. Identifiers: MedGen CN230736.

gnomAD v4.1: 2 of 1,613,990 alleles (0.00012%); highest among the groups gnomAD compares: Non-Finnish European, 0.00017%; no homozygotes.

Submissions (2):

Ambry Genetics
Classification: Likely benign for Cardiovascular phenotype. Last evaluated: 2025-07-21. Review status: criteria provided, single submitter. Criteria: Ambry Variant Classification Scheme 2023. Collection method: clinical testing. Allele origin: germline.

GeneDx
Classification: Likely benign. Last evaluated: 2018-05-11. Review status: criteria provided, single submitter. Criteria: GeneDx Variant Classification (06012015). Collection method: clinical testing. Allele origin: germline. Affected: yes.
Comment: This variant is considered likely benign or benign based on one or more of the following criteria: it is a conservative change, it occurs at a poorly conserved position in the protein, it is predicted to be benign by multiple in silico algorithms, and/or has population frequency not consistent with disease.

NM_001378454.1(ALMS1):c.1974G>A (p.Lys658=)

Gene: ALMS1 (ALMS1 centrosome and basal body associated protein; plus strand). Cytogenetic location: 2p13.1.
Variant type: single nucleotide variant.
Coding change: c.1974G>A on transcript NM_001378454.1 (MANE Select); coding-DNA position 1974, G replaced by A.
Protein change: p.Lys658=; no amino-acid change (lysine 658 retained).
Molecular consequence: synonymous variant.
Genome position (GRCh38, 1-based): chr2:73,448,501, G>A. VCF-style: chr2-73448501-G-A. GRCh37 (hg19) VCF-style: chr2-73675628-G-A.
Other names: c.1977G>A, p.Lys659= (NM_015120.4).
Identifiers: ClinVar variation 668297 (VCV000668297.2), dbSNP rs1572931765, ClinGen allele CA427019340.